The following is an entry in ClinVar:

ClinVar aggregate classification (germline): Likely pathogenic (0 of 4 stars; one submission).

Conditions:
MYH9-related disorder. Identifiers: MedGen C1854520.

Submission:

PreventionGenetics, part of Exact Sciences
Classification: Likely pathogenic for MYH9-related condition. Last evaluated: 2024-05-27. Review status: no assertion criteria provided. Collection method: clinical testing. Allele origin: germline.
Comment: The MYH9 c.2785G>T variant is predicted to result in premature protein termination (p.Glu929*). To our knowledge, this variant has not been reported in the literature or in a large population database, indicating this variant is rare. Nonsense variants in MYH9 are expected to be pathogenic. This variant is interpreted as likely pathogenic.

NM_002473.6(MYH9):c.2785G>T (p.Glu929Ter)

Genes: MYH9 (myosin heavy chain 9; minus strand), LOC126863137 (CDK7 strongly-dependent group 2 enhancer GRCh37_chr22:36696002-36697201; plus strand). Cytogenetic location: 22q12.3.
Variant type: single nucleotide variant.
Coding change: c.2785G>T on transcript NM_002473.6 (MANE Select); coding-DNA position 2785, G replaced by T.
Protein change: p.Glu929Ter; replaces glutamic acid 929 with a stop codon.
Molecular consequence: nonsense.
Genome position (GRCh38, 1-based): chr22:36,300,904, C>A on the plus strand (G>T on the coding strand, the complement: MYH9 is on the minus strand). VCF-style: chr22-36300904-C-A. GRCh37 (hg19) VCF-style: chr22-36696950-C-A.
Other names: short protein forms E929*.
Identifiers: ClinVar variation 3344504 (VCV003344504.1).